The following is an entry in ClinVar:

ClinVar aggregate classification (germline): Uncertain significance (1 of 4 stars; one submission).

Conditions:
Autosomal dominant nocturnal frontal lobe epilepsy 5. Also called: Epilepsy, nocturnal frontal lobe, 5; CILIARY DYSKINESIA, PRIMARY, 28, WITHOUT SITUS INVERSUS; CILIARY DYSKINESIA, PRIMARY, 28, WITH SITUS INVERSUS; KCNT1-Related Epilepsy. Identifiers: Orphanet 98784, MedGen C3554306, MONDO:0014002, OMIM 615005.
Developmental and epileptic encephalopathy, 14 (DEE14). Also called: Early infantile epileptic encephalopathy 14. Identifiers: Orphanet 293181, MedGen C3554195, MONDO:0013989, OMIM 614959.

gnomAD v4.1: 1 of 1,570,012 alleles (0.000064%); highest among the groups gnomAD compares: Non-Finnish European, 0.000086%; no homozygotes.

Submission:

Labcorp Genetics (formerly Invitae), Labcorp
Classification: Uncertain significance for Autosomal dominant nocturnal frontal lobe epilepsy 5; Developmental and epileptic encephalopathy, 14. Last evaluated: 2023-12-22. Review status: criteria provided, single submitter. Criteria: Invitae Variant Classification Sherloc (09022015). Collection method: clinical testing. Allele origin: germline.
Comment: This sequence change replaces valine, which is neutral and non-polar, with leucine, which is neutral and non-polar, at codon 593 of the KCNT1 protein (p.Val593Leu). This variant is not present in population databases (gnomAD no frequency). This variant has not been reported in the literature in individuals affected with KCNT1-related conditions. Advanced modeling of protein sequence and biophysical properties (such as structural, functional, and spatial information, amino acid conservation, physicochemical variation, residue mobility, and thermodynamic stability) performed at Invitae indicates that this missense variant is not expected to disrupt KCNT1 protein function with a negative predictive value of 80%. In summary, the available evidence is currently insufficient to determine the role of this variant in disease. Therefore, it has been classified as a Variant of Uncertain Significance.

NM_020822.3(KCNT1):c.1777G>C (p.Val593Leu)

Gene: KCNT1 (potassium sodium-activated channel subfamily T member 1; plus strand). Cytogenetic location: 9q34.3.
Variant type: single nucleotide variant.
Coding change: c.1777G>C on transcript NM_020822.3 (MANE Select); coding-DNA position 1777, G replaced by C.
Protein change: p.Val593Leu; replaces valine 593 with leucine.
Molecular consequence: missense variant.
Genome position (GRCh38, 1-based): chr9:135,770,864, G>C. VCF-style: chr9-135770864-G-C. GRCh37 (hg19) VCF-style: chr9-138662710-G-C.
Other names: c.1642G>C, p.Val548Leu (NM_001272003.2); short protein forms V593L, V548L.
Identifiers: ClinVar variation 2935049 (VCV002935049.3), dbSNP rs779590747, ClinGen allele CA375507837.